The following is an entry in ClinVar:

NM_017882.3(CLN6):c.168G>A (p.Trp56Ter)

Gene: CLN6 (CLN6 transmembrane ER protein; minus strand). Cytogenetic location: 15q23.
Variant type: single nucleotide variant.
Coding change: c.168G>A on transcript NM_017882.3 (MANE Select); coding-DNA position 168, G replaced by A.
Protein change: p.Trp56Ter; replaces tryptophan 56 with a stop codon.
Molecular consequence: nonsense.
Genome position (GRCh38, 1-based): chr15:68,218,566, C>T on the plus strand (G>A on the coding strand, the complement: CLN6 is on the minus strand). VCF-style: chr15-68218566-C-T. GRCh37 (hg19) VCF-style: chr15-68510904-C-T.
Other names: c.168G>A (NM_017882.2); c.264G>A, p.Trp88Ter (NM_001411068.1); short protein forms W88*, W56*.
Identifiers: ClinVar variation 2911779 (VCV002911779.4), dbSNP rs1477757203, ClinGen allele CA392975565.
Genomic context (GRCh38, chr15:68,218,566, plus strand): 5'-TCAGAGCCCTGTGCACCATTTCACACTCACCATGGCAATGGGACGCCCAAAGTCCAGAAC[C>T]CAGTTCTGCAGTGTGAAGTAGAACCAGAGGTCGAGGTGGAAGGGAGCCGTGCGGGCAGCC-3'

ClinVar aggregate classification (germline): Pathogenic/Likely pathogenic. Review status: criteria provided, multiple submitters, no conflicts (2 of 4 stars). 2 submissions from 2 submitters: Pathogenic (1); Likely pathogenic (1). Last evaluated 2024-04-15.

Conditions:
Ceroid lipofuscinosis, neuronal, 6A. Also called: Neuronal ceroid lipofuscinosis, late infantile, variant; Neuronal ceroid lipofuscinosis, Gypsy/Indian early juvenile variant; Neuronal ceroid lipofuscinosis 6; CLN6-Related Neuronal Ceroid-Lipofuscinosis. Identifiers: Orphanet 168491, Orphanet 228363, MedGen C5551375, MONDO:0011144, OMIM 601780.
Neuronal ceroid lipofuscinosis. Also called: Neuronal Ceroid Lipofuscinoses. Identifiers: Orphanet 216, Orphanet 79263, MedGen C0027877, MONDO:0016295. Disease mechanism: loss of function.

Allele frequency attached by ClinVar (database versions not stated): TOPMed below 0.00001.
gnomAD v4.1: 1 of 1,613,918 alleles (0.000062%); no homozygotes.

Submissions (2):

Natera, Inc.
Classification: Likely pathogenic for Ceroid lipofuscinosis, neuronal, 6A. Last evaluated: 2024-04-15. Review status: criteria provided, single submitter. Criteria: Natera Variant Classification Schema (03/2026). Collection method: clinical testing. Allele origin: germline.
Comment: The c.168G>A variant in CLN6 is a nonsense variant predicted to introduce a stop codon at amino acid 56. This variant is expected to result in nonsense mediated decay, truncation, or a dysfunctional protein product. This variant is rare in the general population with a frequency below the threshold expected for the associated phenotype(s). Given the available evidence, this variant is classified as Likely Pathogenic.

Labcorp Genetics (formerly Invitae), Labcorp
Classification: Pathogenic for Neuronal ceroid lipofuscinosis. Last evaluated: 2023-07-12. Review status: criteria provided, single submitter. Criteria: Invitae Variant Classification Sherloc (09022015). Collection method: clinical testing. Allele origin: germline.
Comment: For these reasons, this variant has been classified as Pathogenic. This variant has not been reported in the literature in individuals affected with CLN6-related conditions. This variant is not present in population databases (gnomAD no frequency). This sequence change creates a premature translational stop signal (p.Trp56*) in the CLN6 gene. It is expected to result in an absent or disrupted protein product. Loss-of-function variants in CLN6 are known to be pathogenic (PMID: 19135028).

Literature cited by the submitters: PubMed 19135028 (cited by Labcorp Genetics (formerly Invitae), Labcorp).